The following is an entry in ClinVar:

NM_000130.5(F5):c.427G>A (p.Ala143Thr)

Gene: F5 (coagulation factor V; minus strand). Cytogenetic location: 1q24.2.
Variant type: single nucleotide variant.
Coding change: c.427G>A on transcript NM_000130.5 (MANE Select); coding-DNA position 427, G replaced by A.
Protein change: p.Ala143Thr; replaces alanine 143 with threonine.
Molecular consequence: missense variant.
Genome position (GRCh38, 1-based): chr1:169,560,713, C>T on the plus strand (G>A on the coding strand, the complement: F5 is on the minus strand). VCF-style: chr1-169560713-C-T. GRCh37 (hg19) VCF-style: chr1-169529951-C-T.
Other names: short protein forms A143T.
Identifiers: ClinVar variation 4527463 (VCV004527463.1).

ClinVar aggregate classification (germline): Uncertain significance (1 of 4 stars; one submission).

gnomAD v4.1: 38 of 1,613,266 alleles (0.0024%); highest among the groups gnomAD compares: Non-Finnish European, 0.003%; no homozygotes.

Submission:

GeneDx
Classification: Uncertain significance. Last evaluated: 2025-04-21. Review status: criteria provided, single submitter. Criteria: GeneDx Variant Classification Process June 2021. Collection method: clinical testing. Allele origin: germline. Affected: yes.
Comment: Not observed at significant frequency in large population cohorts (gnomAD); In silico analysis indicates that this missense variant does not alter protein structure/function; Has not been previously published as pathogenic or benign to our knowledge